The following is an entry in ClinVar:

NM_145261.4(DNAJC19):c.137G>T (p.Ser46Ile)

Gene: DNAJC19 (DnaJ heat shock protein family (Hsp40) member C19; minus strand). Cytogenetic location: 3q26.33.
Variant type: single nucleotide variant.
Coding change: c.137G>T on transcript NM_145261.4 (MANE Select); coding-DNA position 137, G replaced by T.
Protein change: p.Ser46Ile; replaces serine 46 with isoleucine.
Molecular consequence: missense variant. On other transcripts: non-coding transcript variant (2).
Genome position (GRCh38, 1-based): chr3:180,987,015, C>A on the plus strand (G>T on the coding strand, the complement: DNAJC19 is on the minus strand). VCF-style: chr3-180987015-C-A. GRCh37 (hg19) VCF-style: chr3-180704803-C-A.
Other names: c.62G>T, p.Ser21Ile (NM_001190233.2); short protein forms S21I, S46I.
Identifiers: ClinVar variation 1703376 (VCV001703376.2), dbSNP rs2473930439, ClinGen allele CA355472558.

ClinVar aggregate classification (germline): Uncertain significance (1 of 4 stars; one submission).

Submission:

GeneDx
Classification: Uncertain significance. Last evaluated: 2022-02-25. Review status: criteria provided, single submitter. Criteria: GeneDx Variant Classification Process June 2021. Collection method: clinical testing. Allele origin: germline. Affected: yes.
Comment: Not observed at significant frequency in large population cohorts (gnomAD); In silico analysis supports that this missense variant has a deleterious effect on protein structure/function; Has not been previously published as pathogenic or benign to our knowledge